The following is an entry in ClinVar:

ClinVar aggregate classification (germline): Uncertain significance. Review status: criteria provided, multiple submitters, no conflicts (2 of 4 stars). 3 submissions from 3 submitters: Uncertain significance (3). Last evaluated 2024-10-06.

Conditions:
Early-infantile DEE. Also called: Early infantile epileptic encephalopathy with suppression bursts; Early infantile epileptic encephalopathy; Ohtahara syndrome. Identifiers: Orphanet 1934, MedGen C0393706, MONDO:0800491.
Inborn genetic diseases. Identifiers: MedGen C0950123, MeSH D030342.

Allele frequency attached by ClinVar (database versions not stated): ExAC 0.00002; gnomAD exomes 0.00001; TOPMed 0.00001; gnomAD 0.00002.
gnomAD v4.1: 18 of 1,612,848 alleles (0.0011%); highest among the groups gnomAD compares: Middle Eastern, 0.016%; no homozygotes.

Submissions (3):

Labcorp Genetics (formerly Invitae), Labcorp
Classification: Uncertain significance for Early-infantile DEE. Last evaluated: 2024-10-06. Review status: criteria provided, single submitter. Criteria: Invitae Variant Classification Sherloc (09022015). Collection method: clinical testing. Allele origin: germline.
Comment: This sequence change replaces glutamic acid, which is acidic and polar, with lysine, which is basic and polar, at codon 262 of the SLC25A22 protein (p.Glu262Lys). This variant is present in population databases (rs199612664, gnomAD 0.006%). This variant has not been reported in the literature in individuals affected with SLC25A22-related conditions. ClinVar contains an entry for this variant (Variation ID: 1760884). Invitae Evidence Modeling of protein sequence and biophysical properties (such as structural, functional, and spatial information, amino acid conservation, physicochemical variation, residue mobility, and thermodynamic stability) indicates that this missense variant is not expected to disrupt SLC25A22 protein function with a negative predictive value of 80%. In summary, the available evidence is currently insufficient to determine the role of this variant in disease. Therefore, it has been classified as a Variant of Uncertain Significance.

GeneDx
Classification: Uncertain significance. Last evaluated: 2023-02-17. Review status: criteria provided, single submitter. Criteria: GeneDx Variant Classification Process June 2021. Collection method: clinical testing. Allele origin: germline. Affected: yes.
Comment: Not observed at significant frequency in large population cohorts (gnomAD); In silico analysis supports that this missense variant has a deleterious effect on protein structure/function; Has not been previously published as pathogenic or benign to our knowledge

Ambry Genetics
Classification: Uncertain significance for Inborn genetic diseases. Last evaluated: 2017-08-28. Review status: criteria provided, single submitter. Criteria: Ambry Variant Classification Scheme 2023. Collection method: clinical testing. Allele origin: germline.
Comment: The p.E262K variant (also known as c.784G>A), located in coding exon 8 of the SLC25A22 gene, results from a G to A substitution at nucleotide position 784. The glutamic acid at codon 262 is replaced by lysine, an amino acid with similar properties. This amino acid position is highly conserved in available vertebrate species. In addition, the in silico prediction for this alteration is inconclusive. Since supporting evidence is limited at this time, the clinical significance of this alteration remains unclear.

NM_001191061.2(SLC25A22):c.784G>A (p.Glu262Lys)

Gene: SLC25A22 (solute carrier family 25 member 22; minus strand). Cytogenetic location: 11p15.5.
Variant type: single nucleotide variant.
Coding change: c.784G>A on transcript NM_001191061.2 (MANE Select); coding-DNA position 784, G replaced by A.
Protein change: p.Glu262Lys; replaces glutamic acid 262 with lysine.
Molecular consequence: missense variant.
Genome position (GRCh38, 1-based): chr11:792,176, C>T on the plus strand (G>A on the coding strand, the complement: SLC25A22 is on the minus strand). VCF-style: chr11-792176-C-T. GRCh37 (hg19) VCF-style: chr11-792176-C-T.
Other names: c.784G>A, p.Glu262Lys (NM_001191060.2, NM_024698.6); short protein forms E262K.
Identifiers: ClinVar variation 1760884 (VCV001760884.5), dbSNP rs199612664, ClinGen allele CA5789054.